The following is an entry in ClinVar:

ClinVar aggregate classification (germline): Uncertain significance (1 of 4 stars; one submission).

Conditions:
Melanoma, cutaneous malignant, susceptibility to, 5. Also called: Cutaneous malignant melanoma 5. Identifiers: Orphanet 618, MedGen C2751295, MONDO:0013133, OMIM 613099.

Allele frequency attached by ClinVar (database versions not stated): ExAC 0.00001; gnomAD exomes 0.00002 and 0.00004; TOPMed 0.00004; gnomAD 0.00005.
gnomAD v4.1: 75 of 1,613,842 alleles (0.0046%); highest among the groups gnomAD compares: Non-Finnish European, 0.0059%; no homozygotes.

Submission:

Labcorp Genetics (formerly Invitae), Labcorp
Classification: Uncertain significance for Melanoma, cutaneous malignant, susceptibility to, 5. Last evaluated: 2025-08-11. Review status: criteria provided, single submitter. Criteria: Invitae Variant Classification Sherloc (09022015). Collection method: clinical testing. Allele origin: germline.
Comment: This sequence change replaces isoleucine, which is neutral and non-polar, with serine, which is neutral and polar, at codon 287 of the MC1R protein (p.Ile287Ser). This variant is present in population databases (rs753749977, gnomAD 0.005%). This missense change has been observed in individual(s) with melanoma (PMID: 16982779). ClinVar contains an entry for this variant (Variation ID: 406216). Invitae Evidence Modeling of protein sequence and biophysical properties (such as structural, functional, and spatial information, amino acid conservation, physicochemical variation, residue mobility, and thermodynamic stability) indicates that this missense variant is not expected to disrupt MC1R protein function with a negative predictive value of 80%. In summary, the available evidence is currently insufficient to determine the role of this variant in disease. Therefore, it has been classified as a Variant of Uncertain Significance.

Literature cited by the submitters: PubMed 16982779.

NM_002386.4(MC1R):c.860T>G (p.Ile287Ser)

Gene: MC1R (melanocortin 1 receptor; plus strand). Cytogenetic location: 16q24.3.
Variant type: single nucleotide variant.
Coding change: c.860T>G on transcript NM_002386.4 (MANE Select); coding-DNA position 860, T replaced by G.
Protein change: p.Ile287Ser; replaces isoleucine 287 with serine.
Molecular consequence: missense variant.
Genome position (GRCh38, 1-based): chr16:89,920,118, T>G. VCF-style: chr16-89920118-T-G. GRCh37 (hg19) VCF-style: chr16-89986526-T-G.
Other names: short protein forms I287S.
Identifiers: ClinVar variation 406216 (VCV000406216.12), dbSNP rs753749977, ClinGen allele CA8255781.